The following is an entry in ClinVar:

ClinVar aggregate classification (germline): Uncertain significance (1 of 4 stars; one submission).

Conditions:
Left ventricular noncompaction 8 (LVNC8). Identifiers: Orphanet 154, Orphanet 54260, MedGen C3809288, MONDO:0014152, OMIM 615373.

Allele frequency attached by ClinVar (database versions not stated): TOPMed below 0.00001; ExAC 0.00002.
gnomAD v4.1: 17 of 1,613,858 alleles (0.0011%); highest among the groups gnomAD compares: Non-Finnish European, 0.0014%; no homozygotes.

Submission:

Labcorp Genetics (formerly Invitae), Labcorp
Classification: Uncertain significance for Left ventricular noncompaction 8. Last evaluated: 2022-03-11. Review status: criteria provided, single submitter. Criteria: Invitae Variant Classification Sherloc (09022015). Collection method: clinical testing. Allele origin: germline.
Comment: This variant is present in population databases (rs757284038, gnomAD 0.007%). In summary, the available evidence is currently insufficient to determine the role of this variant in disease. Therefore, it has been classified as a Variant of Uncertain Significance. Algorithms developed to predict the effect of missense changes on protein structure and function are either unavailable or do not agree on the potential impact of this missense change (SIFT: "Deleterious"; PolyPhen-2: "Benign"; Align-GVGD: "Class C0"). ClinVar contains an entry for this variant (Variation ID: 1008836). This variant has not been reported in the literature in individuals affected with PRDM16-related conditions. This sequence change replaces isoleucine, which is neutral and non-polar, with asparagine, which is neutral and polar, at codon 144 of the PRDM16 protein (p.Ile144Asn).

NM_022114.4(PRDM16):c.431T>A (p.Ile144Asn)

Gene: PRDM16 (PR/SET domain 16; plus strand). Cytogenetic location: 1p36.32.
Variant type: single nucleotide variant.
Coding change: c.431T>A on transcript NM_022114.4 (MANE Select); coding-DNA position 431, T replaced by A.
Protein change: p.Ile144Asn; replaces isoleucine 144 with asparagine.
Molecular consequence: missense variant.
Genome position (GRCh38, 1-based): chr1:3,244,130, T>A. VCF-style: chr1-3244130-T-A. GRCh37 (hg19) VCF-style: chr1-3160694-T-A.
Other names: c.431T>A, p.Ile144Asn (NM_199454.3); short protein forms I144N.
Identifiers: ClinVar variation 1008836 (VCV001008836.8), dbSNP rs757284038, ClinGen allele CA543789.